The following is an entry in ClinVar:

NM_000059.4(BRCA2):c.4322A>G (p.Glu1441Gly)

Gene: BRCA2 (BRCA2 DNA repair associated; plus strand). Cytogenetic location: 13q13.1.
Variant type: single nucleotide variant.
Coding change: c.4322A>G on transcript NM_000059.4 (MANE Select); coding-DNA position 4322, A replaced by G.
Protein change: p.Glu1441Gly; replaces glutamic acid 1441 with glycine.
Molecular consequence: missense variant. On other transcripts: non-coding transcript variant (1), intron variant (2).
Genome position (GRCh38, 1-based): chr13:32,338,677, A>G. VCF-style: chr13-32338677-A-G. GRCh37 (hg19) VCF-style: chr13-32912814-A-G.
Other names: c.4322A>G, p.Glu1441Gly (NM_001406719.1, NM_001406720.1); c.1909+5290A>G (NM_001406721.1); c.425-5881A>G (NM_001406722.1); short protein forms E1441G.
Identifiers: ClinVar variation 2864935 (VCV002864935.3), dbSNP rs1198430908, ClinGen allele CA387780825.

ClinVar aggregate classification (germline): Uncertain significance (1 of 4 stars; one submission).

Conditions:
Hereditary breast ovarian cancer syndrome. Also called: Hereditary breast and ovarian cancer syndrome; Hereditary breast and/or ovarian cancer syndrome; BRCA1- and BRCA2-Associated Hereditary Breast and Ovarian Cancer; Hereditary breast and ovarian cancer syndrome (HBOC); Hereditary breast and ovarian cancer; Breast and ovarian cancer. Identifiers: Orphanet 145, MedGen C0677776, MeSH D061325, MONDO:0003582. Disease mechanism: loss of function.

Submission:

Labcorp Genetics (formerly Invitae), Labcorp
Classification: Uncertain significance for Hereditary breast ovarian cancer syndrome. Last evaluated: 2023-05-16. Review status: criteria provided, single submitter. Criteria: Invitae Variant Classification Sherloc (09022015). Collection method: clinical testing. Allele origin: germline.
Comment: This sequence change replaces glutamic acid, which is acidic and polar, with glycine, which is neutral and non-polar, at codon 1441 of the BRCA2 protein (p.Glu1441Gly). This variant is not present in population databases (gnomAD no frequency). This variant has not been reported in the literature in individuals affected with BRCA2-related conditions. Advanced modeling of protein sequence and biophysical properties (such as structural, functional, and spatial information, amino acid conservation, physicochemical variation, residue mobility, and thermodynamic stability) performed at Invitae indicates that this missense variant is not expected to disrupt BRCA2 protein function. In summary, the available evidence is currently insufficient to determine the role of this variant in disease. Therefore, it has been classified as a Variant of Uncertain Significance.